The following is an entry in ClinVar:

ClinVar aggregate classification (germline): Uncertain significance (1 of 4 stars; one submission).

Submission:

GeneDx
Classification: Uncertain significance. Last evaluated: 2025-04-13. Review status: criteria provided, single submitter. Criteria: GeneDx Variant Classification Process June 2021. Collection method: clinical testing. Allele origin: germline. Affected: yes.
Comment: Not observed at significant frequency in large population cohorts (gnomAD); In silico analysis supports that this missense variant has a deleterious effect on protein structure/function; Has not been previously published as pathogenic or benign to our knowledge

NM_001458.5(FLNC):c.533T>A (p.Ile178Asn)

Gene: FLNC (filamin C; plus strand). Cytogenetic location: 7q32.1.
Variant type: single nucleotide variant.
Coding change: c.533T>A on transcript NM_001458.5 (MANE Select); coding-DNA position 533, T replaced by A.
Protein change: p.Ile178Asn; replaces isoleucine 178 with asparagine.
Molecular consequence: missense variant.
Genome position (GRCh38, 1-based): chr7:128,835,506, T>A. VCF-style: chr7-128835506-T-A. GRCh37 (hg19) VCF-style: chr7-128475560-T-A.
Other names: c.533T>A, p.Ile178Asn (NM_001127487.2); short protein forms I178N.
Identifiers: ClinVar variation 4282400 (VCV004282400.1).